The following is an entry in ClinVar:

ClinVar aggregate classification (germline): Benign/Likely benign. Review status: criteria provided, multiple submitters, no conflicts (2 of 4 stars). 3 submissions from 3 submitters: Benign (1); Likely benign (2). Last evaluated 2025-04-08.

Conditions:
Cardiomyopathy (CMYO). Also called: Cardiomyopathies. Identifiers: Orphanet 167848, MedGen C0878544, MONDO:0004994, HP:0001638. Inheritance: Various modes of inheritance.
Familial isolated arrhythmogenic right ventricular dysplasia. Identifiers: Orphanet 217656, MedGen C4274968, MONDO:0016342.
Arrhythmogenic right ventricular dysplasia 11. Also called: Arrhythmogenic right ventricular dysplasia 11 with mild palmoplantar keratoderma and woolly hair; Arrhythmogenic Right Ventricular Dysplasia/Cardiomyopathy11; ARRHYTHMOGENIC RIGHT VENTRICULAR DYSPLASIA, FAMILIAL, 11. Identifiers: MedGen C1864850, MONDO:0012506, OMIM 610476.

Submissions (3):

Labcorp Genetics (formerly Invitae), Labcorp
Classification: Benign for Arrhythmogenic right ventricular dysplasia 11. Last evaluated: 2025-04-08. Review status: criteria provided, single submitter. Criteria: Invitae Variant Classification Sherloc (09022015). Collection method: clinical testing. Allele origin: germline.

All of Us Research Program, National Institutes of Health
Classification: Likely benign for Familial isolated arrhythmogenic right ventricular dysplasia. Last evaluated: 2023-04-03. Review status: criteria provided, single submitter. Criteria: ACMG Guidelines, 2015. Collection method: clinical testing. Allele origin: germline. Inheritance: Autosomal dominant inheritance. Observed: 1 variant allele, 1 heterozygote.
Comment: This study involves interpretation of variants in research participants for the purpose of population health screening. Participant phenotype was not available at the time of variant classification. Additional details can be found in publication PMID: 35346344, PMCID: PMC8962531

Color Diagnostics, LLC DBA Color Health
Classification: Likely benign for Cardiomyopathy. Last evaluated: 2023-03-09. Review status: criteria provided, single submitter. Criteria: ACMG Guidelines, 2015. Collection method: clinical testing. Allele origin: germline.

NM_024422.6(DSC2):c.943-9dup

Gene: DSC2 (desmocollin 2; minus strand). Cytogenetic location: 18q12.1.
Variant type: Duplication.
Coding change: c.943-9dup on transcript NM_024422.6 (MANE Select); 9 bases into the intron before coding-DNA position 943, one base duplicated (T; older notation c.943-9dupT).
Molecular consequence: intron variant.
Genome position (GRCh38, 1-based): chr18:31,083,069, A duplicated on the plus strand (T on the coding strand, the reverse complement: DSC2 is on the minus strand); the first of 7 consecutive A bases (chr18:31,083,069-31,083,075); duplicating any one gives the same sequence. VCF-style (leftmost placement, unchanged base first): chr18-31083068-C-CA. GRCh37 (hg19) VCF-style: chr18-28663034-C-CA.
Other names: c.943-9dup (NM_004949.5).
Identifiers: ClinVar variation 1599980 (VCV001599980.11), dbSNP rs1987283946, ClinGen allele CA988895299.